The following is an entry in ClinVar:

ClinVar aggregate classification (germline): Uncertain significance (1 of 4 stars; one submission).

Conditions:
Conotruncal heart malformations (CTHM). Also called: Conotruncal heart malformations, variable. Identifiers: Orphanet 2445, Orphanet 3384, Orphanet 3426, MedGen C1857586, MONDO:0016581, OMIM 217095.

gnomAD v4.1: 9 of 1,542,016 alleles (0.00058%); highest among the groups gnomAD compares: African/African-American, 0.0014%; no homozygotes.

Submission:

Labcorp Genetics (formerly Invitae), Labcorp
Classification: Uncertain significance for Conotruncal heart malformations. Last evaluated: 2020-12-28. Review status: criteria provided, single submitter. Criteria: Invitae Variant Classification Sherloc (09022015). Collection method: clinical testing. Allele origin: germline.
Comment: In summary, the available evidence is currently insufficient to determine the role of this variant in disease. Therefore, it has been classified as a Variant of Uncertain Significance. Algorithms developed to predict the effect of missense changes on protein structure and function output the following: SIFT: "Tolerated"; PolyPhen-2: "Benign"; Align-GVGD: "Class C0". The glycine amino acid residue is found in multiple mammalian species, suggesting that this missense change does not adversely affect protein function. These predictions have not been confirmed by published functional studies and their clinical significance is uncertain. This variant has not been reported in the literature in individuals with NKX2-6-related conditions. The frequency data for this variant in the population databases is considered unreliable, as metrics indicate insufficient coverage at this position in the ExAC database. This sequence change replaces arginine with glycine at codon 123 of the NKX2-6 protein (p.Arg123Gly). The arginine residue is weakly conserved and there is a moderate physicochemical difference between arginine and glycine.

NM_001136271.3(NKX2-6):c.367C>G (p.Arg123Gly)

Gene: NKX2-6 (NK2 homeobox 6; minus strand). Cytogenetic location: 8p21.2.
Variant type: single nucleotide variant.
Coding change: c.367C>G on transcript NM_001136271.3 (MANE Select); coding-DNA position 367, C replaced by G.
Protein change: p.Arg123Gly; replaces arginine 123 with glycine.
Molecular consequence: missense variant.
Genome position (GRCh38, 1-based): chr8:23,702,990, G>C on the plus strand (C>G on the coding strand, the complement: NKX2-6 is on the minus strand). VCF-style: chr8-23702990-G-C. GRCh37 (hg19) VCF-style: chr8-23560503-G-C.
Other names: short protein forms R123G.
Identifiers: ClinVar variation 1439841 (VCV001439841.8), dbSNP rs1451266541, ClinGen allele CA370603139.